The following is an entry in ClinVar:

ClinVar aggregate classification (germline): Likely benign. Review status: criteria provided, multiple submitters, no conflicts (2 of 4 stars). 2 submissions from 2 submitters: Likely benign (2). Last evaluated 2026-02-03.

Conditions:
COL18A1-related disorder. Also called: COL18A1-related disorders; COL18A1-related condition.

Allele frequency attached by ClinVar (database versions not stated): gnomAD 0.00001 and 0.00002; TOPMed 0.00002; ExAC 0.00005; gnomAD exomes 0.00007; 1000 Genomes Project 30x 0.00016; 1000 Genomes Project 0.00020.
gnomAD v4.1: 13 of 1,613,806 alleles (0.00081%); highest among the groups gnomAD compares: East Asian, 0.029%; no homozygotes.

Submissions (2):

PreventionGenetics, part of Exact Sciences
Classification: Likely benign for COL18A1-related condition. Last evaluated: 2026-02-03. Review status: criteria provided, single submitter. Criteria: ACMG Guidelines, 2015. Collection method: clinical testing. Allele origin: germline.
Comment: This variant is classified as likely benign based on ACMG/AMP sequence variant interpretation guidelines (Richards et al. 2015 PMID: 25741868, with internal and published modifications).

Labcorp Genetics (formerly Invitae), Labcorp
Classification: Likely benign. Last evaluated: 2025-06-04. Review status: criteria provided, single submitter. Criteria: Invitae Variant Classification Sherloc (09022015). Collection method: clinical testing. Allele origin: germline.

NM_001379500.1(COL18A1):c.465C>T (p.Leu155=)

Gene: COL18A1 (collagen type XVIII alpha 1 chain; plus strand). Cytogenetic location: 21q22.3.
Variant type: single nucleotide variant.
Coding change: c.465C>T on transcript NM_001379500.1 (MANE Select); coding-DNA position 465, C replaced by T.
Protein change: p.Leu155=; no amino-acid change (leucine 155 retained).
Molecular consequence: synonymous variant.
Genome position (GRCh38, 1-based): chr21:45,468,600, C>T. VCF-style: chr21-45468600-C-T. GRCh37 (hg19) VCF-style: chr21-46888514-C-T.
Other names: c.1005C>T, p.Leu335= (NM_030582.4); c.1710C>T, p.Leu570= (NM_130444.3); c.1005C>T (NM_030582.3).
Identifiers: ClinVar variation 1663287 (VCV001663287.9), dbSNP rs533430305, ClinGen allele CA10065753.